The following is an entry in ClinVar:

NM_032806.6(POMGNT2):c.582G>T (p.Met194Ile)

Gene: POMGNT2 (protein O-linked mannose N-acetylglucosaminyltransferase 2 (beta 1,4-); minus strand). Cytogenetic location: 3p22.1.
Variant type: single nucleotide variant.
Coding change: c.582G>T on transcript NM_032806.6 (MANE Select); coding-DNA position 582, G replaced by T.
Protein change: p.Met194Ile; replaces methionine 194 with isoleucine.
Molecular consequence: missense variant.
Genome position (GRCh38, 1-based): chr3:43,080,850, C>A on the plus strand (G>T on the coding strand, the complement: POMGNT2 is on the minus strand). VCF-style: chr3-43080850-C-A. GRCh37 (hg19) VCF-style: chr3-43122342-C-A.
Other names: short protein forms M194I.
Identifiers: ClinVar variation 640865 (VCV000640865.9), dbSNP rs1452053627, ClinGen allele CA352302938.

ClinVar aggregate classification (germline): Uncertain significance. Review status: criteria provided, multiple submitters, no conflicts (2 of 4 stars). 2 submissions from 2 submitters: Uncertain significance (2). Last evaluated 2018-12-20.

Conditions:
Muscular dystrophy-dystroglycanopathy (congenital with brain and eye anomalies), type a, 8 (MDDGA8). Also called: WALKER-WARBURG SYNDROME OR MUSCLE-EYE-BRAIN DISEASE, GTDC2-RELATED. Identifiers: Orphanet 899, MedGen C3553813, MONDO:0013904, OMIM 614830.

Allele frequency attached by ClinVar (database versions not stated): gnomAD exomes below 0.00001.

Submissions (2):

Labcorp Genetics (formerly Invitae), Labcorp
Classification: Uncertain significance for Muscular dystrophy-dystroglycanopathy (congenital with brain and eye anomalies), type a, 8. Last evaluated: 2018-12-20. Review status: criteria provided, single submitter. Criteria: Invitae Variant Classification Sherloc (09022015). Collection method: clinical testing. Allele origin: germline.
Comment: This sequence change replaces methionine with isoleucine at codon 194 of the POMGNT2 protein (p.Met194Ile). The methionine residue is highly conserved and there is a small physicochemical difference between methionine and isoleucine. This variant is not present in population databases (ExAC no frequency). This variant has not been reported in the literature in individuals with POMGNT2-related conditions. Algorithms developed to predict the effect of missense changes on protein structure and function are either unavailable or do not agree on the potential impact of this missense change (SIFT: "Deleterious"; PolyPhen-2: "Probably Damaging"; Align-GVGD: "Class C0"). In summary, the available evidence is currently insufficient to determine the role of this variant in disease. Therefore, it has been classified as a Variant of Uncertain Significance.

Genetic Services Laboratory, University of Chicago
Classification: Uncertain significance. Last evaluated: 2017-09-14. Review status: criteria provided, single submitter. Criteria: ACMG Guidelines, 2015. Collection method: clinical testing. Allele origin: germline. Affected: no.